The following is an entry in ClinVar:

NM_001308093.3(GATA4):c.230G>T (p.Gly77Val)

Gene: GATA4 (GATA binding protein 4). Cytogenetic location: 8p23.1.
Variant type: single nucleotide variant.
Coding change: c.230G>T on transcript NM_001308093.3 (MANE Select); coding-DNA position 230, G replaced by T.
Protein change: p.Gly77Val; replaces glycine 77 with valine.
Molecular consequence: missense variant. On other transcripts: intron variant (3).
Genome position (GRCh38, 1-based): chr8:11,708,542, G>T. VCF-style: chr8-11708542-G-T. GRCh37 (hg19) VCF-style: chr8-11566051-G-T.
Other names: c.230G>T, p.Gly77Val (NM_002052.5); c.-6+7764G>T (NM_001308094.2); c.-3+528G>T (NM_001374274.1); c.-3+4238G>T (NM_001374273.1); short protein forms G77V.
Identifiers: ClinVar variation 1992656 (VCV001992656.4), dbSNP rs1800005049, ClinGen allele CA370309199.

ClinVar aggregate classification (germline): Uncertain significance (1 of 4 stars; one submission).

Conditions:
Atrioventricular septal defect 4 (AVSD4). Identifiers: MedGen C3280781, MONDO:0013747, OMIM 614430.

Submission:

Labcorp Genetics (formerly Invitae), Labcorp
Classification: Uncertain significance for Atrioventricular septal defect 4. Last evaluated: 2022-06-20. Review status: criteria provided, single submitter. Criteria: Invitae Variant Classification Sherloc (09022015). Collection method: clinical testing. Allele origin: germline.
Comment: This variant is not present in population databases (gnomAD no frequency). In summary, the available evidence is currently insufficient to determine the role of this variant in disease. Therefore, it has been classified as a Variant of Uncertain Significance. Algorithms developed to predict the effect of missense changes on protein structure and function are either unavailable or do not agree on the potential impact of this missense change (SIFT: "Tolerated"; PolyPhen-2: "Probably Damaging"; Align-GVGD: "Class C0"). This variant has not been reported in the literature in individuals affected with GATA4-related conditions. This sequence change replaces glycine, which is neutral and non-polar, with valine, which is neutral and non-polar, at codon 77 of the GATA4 protein (p.Gly77Val).